The following is an entry in ClinVar:

NM_014425.5(INVS):c.1484G>A (p.Trp495Ter)

Gene: INVS (inversin; plus strand). Cytogenetic location: 9q31.1.
Variant type: single nucleotide variant.
Coding change: c.1484G>A on transcript NM_014425.5 (MANE Select); coding-DNA position 1484, G replaced by A.
Protein change: p.Trp495Ter; replaces tryptophan 495 with a stop codon.
Molecular consequence: nonsense. On other transcripts: non-coding transcript variant (1).
Genome position (GRCh38, 1-based): chr9:100,264,841, G>A. VCF-style: chr9-100264841-G-A. GRCh37 (hg19) VCF-style: chr9-103027123-G-A.
Other names: c.1484G>A (NM_014425.4); c.1196G>A, p.Trp399Ter (NM_001318381.2); c.506G>A, p.Trp169Ter (NM_001318382.2); short protein forms W169*, W399*, W495*.
Identifiers: ClinVar variation 974395 (VCV000974395.9), dbSNP rs149055711, ClinGen allele CA5158416.

ClinVar aggregate classification (germline): Pathogenic. Review status: criteria provided, multiple submitters, no conflicts (2 of 4 stars). 4 submissions from 4 submitters: Pathogenic (4). Last evaluated 2026-03-18.

Conditions:
Nephronophthisis. Also called: Juvenile Nephronophthisis. Identifiers: Orphanet 655, MedGen C0687120, MONDO:0019005, HP:0000090.
Infantile nephronophthisis (NPHP2). Also called: Nephronophthisis 2; Nephronophthisis 2, infantile. Identifiers: MedGen C1865872, MONDO:0011190, OMIM 602088, Orphanet 655, Orphanet 93591.
INVS-related disorder. Also called: INVS-related condition.

Allele frequency attached by ClinVar (database versions not stated): TOPMed below 0.00001; ExAC 0.00001; gnomAD exomes 0.00001; ESP Exome Variant Server 0.00008.

Submissions (4):

PreventionGenetics, part of Exact Sciences
Classification: Pathogenic for INVS-related condition. Last evaluated: 2026-03-18. Review status: criteria provided, single submitter. Criteria: ACMG Guidelines, 2015. Collection method: clinical testing. Allele origin: germline.
Comment: The INVS c.1484G>A variant is predicted to result in premature protein termination (p.Trp495*). This variant was reported in the compound heterozygous state with another nonsense variant in an individual with INVS-related early-onset kidney disease (Supplementary Table 2, Domingo-Gallego et al. 2022. PubMed ID: 33532864). This variant is reported in 0.0029% of alleles in individuals of Latino descent in gnomAD. Nonsense variants in INVS are expected to be pathogenic. This variant is interpreted as pathogenic.

Fulgent Genetics
Classification: Pathogenic for Infantile nephronophthisis. Last evaluated: 2024-02-04. Review status: criteria provided, single submitter. Criteria: ACMG Guidelines, 2015. Collection method: clinical testing. Allele origin: germline.

Labcorp Genetics (formerly Invitae), Labcorp
Classification: Pathogenic for Nephronophthisis. Last evaluated: 2023-12-15. Review status: criteria provided, single submitter. Criteria: Invitae Variant Classification Sherloc (09022015). Collection method: clinical testing. Allele origin: germline.
Comment: This sequence change creates a premature translational stop signal (p.Trp495*) in the INVS gene. It is expected to result in an absent or disrupted protein product. Loss-of-function variants in INVS are known to be pathogenic (PMID: 12872123). This variant is present in population databases (rs149055711, gnomAD 0.003%). This premature translational stop signal has been observed in individual(s) with nephronophthisis (PMID: 33532864). In at least one individual the data is consistent with being in trans (on the opposite chromosome) from a pathogenic variant. ClinVar contains an entry for this variant (Variation ID: 974395). For these reasons, this variant has been classified as Pathogenic.

Molecular Biology Laboratory, Fundació Puigvert
Classification: Pathogenic for Infantile nephronophthisis. Last evaluated: 2020-02-01. Review status: criteria provided, single submitter. Criteria: ACMG Guidelines, 2015. Collection method: research. Allele origin: paternal. Affected: yes. Study: KidneyPanel_2020.

Literature cited by the submitters: PubMed 12872123 (cited by Labcorp Genetics (formerly Invitae), Labcorp); PubMed 33532864 (cited by Labcorp Genetics (formerly Invitae), Labcorp and Molecular Biology Laboratory, Fundació Puigvert).